The following is an entry in ClinVar:

NM_002834.5(PTPN11):c.166A>G (p.Ile56Val)

Gene: PTPN11 (protein tyrosine phosphatase non-receptor type 11; plus strand). Cytogenetic location: 12q24.13.
Variant type: single nucleotide variant.
Coding change: c.166A>G on transcript NM_002834.5 (MANE Select); coding-DNA position 166, A replaced by G.
Protein change: p.Ile56Val; replaces isoleucine 56 with valine.
Molecular consequence: missense variant.
Genome position (GRCh38, 1-based): chr12:112,450,346, A>G. VCF-style: chr12-112450346-A-G. GRCh37 (hg19) VCF-style: chr12-112888150-A-G.
Other names: p.I56V:ATT>GTT; NM_002834.4(PTPN11):c.166A>G; c.166A>G, p.Ile56Val (NM_001330437.2, NM_080601.3); c.163A>G, p.Ile55Val (NM_001374625.1); short protein forms I56V, I55V.
Identifiers: ClinVar variation 40485 (VCV000040485.31), dbSNP rs397507504, ClinGen allele CA180973.

ClinVar aggregate classification (germline): Pathogenic. Review status: reviewed by expert panel (3 of 4 stars). 14 submissions from 14 submitters: Pathogenic (1). 13 of the submissions do not count toward it. Last evaluated 2019-05-10.

Conditions:
Cardiovascular phenotype. Identifiers: MedGen CN230736.
Pigmentary skin disorders.
PTPN11-related disorder. Also called: PTPN11-Related Disorders.
Noonan syndrome and Noonan-related syndrome. Identifiers: Orphanet 98733, MedGen C5681679, MONDO:0020297.
RASopathy. Also called: rasopathies; Noonan spectrum disorder. Identifiers: Orphanet 536391, MedGen C5555857, MONDO:0021060.
Noonan syndrome (NS). Also called: Noonan's syndrome. Identifiers: Orphanet 648, MedGen C0028326, MeSH D009634, MONDO:0018997. Disease mechanism: gain of function.
Noonan syndrome 1 (NS1). Also called: FEMALE PSEUDO-TURNER SYNDROME; TURNER PHENOTYPE WITH NORMAL KARYOTYPE; PTPN11-Related Noonan Syndrome. Identifiers: Orphanet 648, MedGen C4551602, MONDO:0008104, OMIM 163950. Disease mechanism: gain of function.

Allele frequency attached by ClinVar (database versions not stated): gnomAD exomes below 0.00001; TOPMed below 0.00001; gnomAD 0.00001.
gnomAD v4.1: 2 of 1,612,984 alleles (0.00012%); highest among the groups gnomAD compares: African/African-American, 0.0013%; no homozygotes.

Submissions 1 to 8 of 14:

ClinGen RASopathy Variant Curation Expert Panel
Classification: Pathogenic for Noonan syndrome and Noonan-related syndrome. Last evaluated: 2019-05-10. Review status: reviewed by expert panel. Criteria: ClinGen RASopathy ACMG Specifications v1. Collection method: curation. Allele origin: germline. Inheritance: Autosomal dominant inheritance.
Comment: The c.166A>G (p.Ile56Val) variant in PTPN11 has been reported as a confirmed de novo occurrence in a patient with clinical features of a RASopathy (PS2; Invitae internal data; GTR Lab ID: 500031; ClinVar SCV000659037.2). The p.Ile56Val variant has been identified in at least 5 independent occurrences in patients with clinical features of a RASopathy (PS4; GeneDx, Partners LMM, Invitae, LabCorp internal data; GTR Lab IDs: 26957, 21766, 500031, 500026; ClinVar SCV SCV000057358.13, SCV000204234.4, SCV000659037.2, SCV000698061.1). This variant was absent from large population studies (PM2; gnomAD). Computational prediction tools and conservation analysis suggest that the p.Ile56Val variant may impact the protein (PP3). The variant is located in the PTPN11 gene, which has been defined by the ClinGen RASopathy Expert Panel as a gene with a low rate of benign missense variants and pathogenic missense variants are common (PP2; PMID: 29493581). In summary, this variant meets criteria to be classified as pathogenic for RASopathies in an autosomal dominant manner. Rasopathy-specific ACMG/AMP criteria applied (PMID:29493581): PS2, PS4, PM2, PP3, PP2.

Genetics Laboratory, Great Ormond Street Hospital NHS Foundation Trust, North Thames Genomic Laboratory Hub
Classification: Pathogenic for Pigmentary skin disorders. Last evaluated: 2025-12-08. Review status: criteria provided, single submitter. Criteria: ACGS Best Practice Guidelines for Variant Classification in Rare Disease 2024 v1.2. Collection method: clinical testing. Allele origin: germline. Affected: yes. Not counted in ClinVar's aggregate classification.
Comment: PS4_moderate, PM2_moderate, PP3_supporting, PP2_supporting, PP1_moderate, PS2_strong

3billion
Classification: Pathogenic for Noonan syndrome 1. Last evaluated: 2025-08-26. Review status: criteria provided, single submitter. Criteria: ACMG Guidelines, 2015. Collection method: clinical testing. Allele origin: germline. Affected: yes. Not counted in ClinVar's aggregate classification.
Comment: The variant is observed at an extremely low frequency in the gnomAD v4.1.0 dataset (total allele frequency: <0.001%). Predicted Consequence/Location: The variant is located in a mutational hot spot and/or well-established functional domain in which established pathogenic variants have been reported. Missense variant. Missense changes are a common disease-causing mechanism. In silico tool predictions suggest damaging effect of the variant on gene or gene product [REVEL: 0.77 (>=0.6, sensitivity 0.68 and specificity 0.92); 3Cnet: 0.99 (> 0.75, sensitivity 0.96 and precision 0.92)]. The same nucleotide change resulting in the same amino acid change has been previously reported as pathogenic/likely pathogenic with strong evidence (ClinVar ID: VCV000040485 /PMID: 26817465 /3billion dataset). A different missense change at the same codon (p.Ile56Thr) has been reported as pathogenic/likely pathogenic with strong evidence (ClinVar ID: VCV000477669). Therefore, this variant is classified as Pathogenic according to the recommendation of ACMG/AMP guideline.

Variantyx, Inc.
Classification: Pathogenic for Noonan syndrome 1. Last evaluated: 2025-06-30. Review status: criteria provided, single submitter. Criteria: Variantyx Assertion Criteria 2022. Collection method: clinical testing. Allele origin: de novo. Inheritance: Autosomal dominant inheritance. Affected: yes. Not counted in ClinVar's aggregate classification.
Comment: This is a nonsynonymous variant in the PTPN11 gene (OMIM: 176876). Pathogenic variants in this gene have been associated with autosomal dominant Noonan syndrome 1. This variant has been reported in several unrelated affected individuals (PMID: 26817465, 32410215, 33619735, 36349709, 29907801) (PS4). It lies within a known hotspot for pathogenic variants or a well-established critical functional domain of the PTPN11 protein (PMID: 26817465) (PM1) and multiple computational algorithms predict a deleterious effect for this variant (REVEL score: 0.772) (PP3). This variant has a 0.0063% maximum allele frequency in non-founder control populations (PM2). Other reputable laboratories have reported this variant as pathogenic or likely pathogenic, and this classification has been validated by an expert panel in ClinVar (PP5). Based on the current evidence, this variant is classified as pathogenic for autosomal dominant Noonan syndrome 1.

Labcorp Genetics (formerly Invitae), Labcorp
Classification: Pathogenic for RASopathy. Last evaluated: 2025-05-08. Review status: criteria provided, single submitter. Criteria: Invitae Variant Classification Sherloc (09022015). Collection method: clinical testing. Allele origin: germline. Not counted in ClinVar's aggregate classification.
Comment: This sequence change replaces isoleucine, which is neutral and non-polar, with valine, which is neutral and non-polar, at codon 56 of the PTPN11 protein (p.Ile56Val). This variant is not present in population databases (gnomAD no frequency). This missense change has been observed in individual(s) with Noonan syndrome (NS) (PMID: 26817465; internal data). In at least one individual the variant was observed to be de novo. ClinVar contains an entry for this variant (Variation ID: 40485). Invitae Evidence Modeling incorporating data from in vitro experimental studies (internal data) indicates that this missense variant is expected to disrupt PTPN11 function with a positive predictive value of 95%. For these reasons, this variant has been classified as Pathogenic.

Ambry Genetics
Classification: Likely pathogenic for Cardiovascular phenotype. Last evaluated: 2025-05-03. Review status: criteria provided, single submitter. Criteria: Ambry Variant Classification Scheme 2023. Collection method: clinical testing. Allele origin: germline. Not counted in ClinVar's aggregate classification.
Comment: The p.I56V variant (also known as c.166A>G), located in coding exon 3 of the PTPN11 gene, results from an A to G substitution at nucleotide position 166. The isoleucine at codon 56 is replaced by valine, an amino acid with highly similar properties. This variant was reported in individual(s) with features consistent with Noonan syndrome; in at least one individual, it was determined to be de novo (Atik T et al. Indian J Pediatr, 2016 Jun;83:517-21; Bessis D et al. Br J Dermatol, 2019 Jun;180:1438-1448; Leach NT et al. Genet Med, 2019 Feb;21:417-425; Li R et al. Clin Genet, 2020 Sep;98:215-230; Brunet T et al. Clin Genet, 2021 Jul;100:14-28; Weller K et al. Prenat Diagn, 2024 Oct;44:1288-1295). This variant is considered to be rare based on population cohorts in the Genome Aggregation Database (gnomAD). This amino acid position is highly conserved in available vertebrate species. In addition, this alteration is predicted to be deleterious by in silico analysis. Based on the majority of available evidence to date, this variant is likely to be pathogenic.

Blueprint Genetics
Classification: Likely pathogenic for PTPN11-related disorders. Last evaluated: 2024-09-21. Review status: criteria provided, single submitter. Criteria: ACMG Guidelines, 2015. Collection method: clinical testing. Allele origin: germline. Affected: yes. Observed: 2 variant alleles. Not counted in ClinVar's aggregate classification.

GeneDx
Classification: Pathogenic. Last evaluated: 2023-10-23. Review status: criteria provided, single submitter. Criteria: GeneDx Variant Classification Process June 2021. Collection method: clinical testing. Allele origin: germline. Affected: yes. Not counted in ClinVar's aggregate classification.
Comment: Not observed at significant frequency in large population cohorts (gnomAD); Missense variants in this gene are a common cause of disease and they are underrepresented in the general population; In silico analysis supports that this missense variant does not alter protein structure/function; This variant is associated with the following publications: (PMID: 26817465, 29907801, 32410215, 30050098, 29493581, 36555586, 33619735)